The following is an entry in ClinVar:

NM_001267550.2(TTN):c.97237G>A (p.Asp32413Asn)

Genes: TTN (titin; minus strand), TTN-AS1 (TTN antisense RNA 1; plus strand). Cytogenetic location: 2q31.2.
Variant type: single nucleotide variant.
Coding change: c.97237G>A on transcript NM_001267550.2 (MANE Select); coding-DNA position 97237, G replaced by A.
Protein change: p.Asp32413Asn; replaces aspartic acid 32413 with asparagine.
Molecular consequence: missense variant.
Genome position (GRCh38, 1-based): chr2:178,542,519, C>T on the plus strand (G>A on the coding strand, the complement: TTN is on the minus strand). VCF-style: chr2-178542519-C-T. GRCh37 (hg19) VCF-style: chr2-179407246-C-T.
Other names: c.70042G>A, p.Asp23348Asn (NM_003319.4); c.89533G>A, p.Asp29845Asn (NM_133378.4); c.70417G>A, p.Asp23473Asn (NM_133432.3); c.70618G>A, p.Asp23540Asn (NM_133437.4); c.92314G>A, p.Asp30772Asn (NM_001256850.1); short protein forms D23348N, D23473N, D23540N, D29845N, D30772N, D32413N.
Identifiers: ClinVar variation 2438133 (VCV002438133.4), dbSNP rs1695055645, ClinGen allele CA349441270.

ClinVar aggregate classification (germline): Uncertain significance. Review status: criteria provided, multiple submitters, no conflicts (2 of 4 stars). 2 submissions from 2 submitters: Uncertain significance (2). Last evaluated 2024-11-18.

Conditions:
TTN-related disorder. Also called: TTN-related condition; TTN-related disease; TTN-related disorders.

Allele frequency attached by ClinVar (database versions not stated): TOPMed below 0.00001; gnomAD 0.00001.
gnomAD v4.1: 2 of 1,610,938 alleles (0.00012%); highest among the groups gnomAD compares: Admixed American, 0.0033%; no homozygotes.

Submissions (2):

PreventionGenetics, part of Exact Sciences
Classification: Uncertain significance for TTN-related condition. Last evaluated: 2024-11-18. Review status: criteria provided, single submitter. Criteria: ACMG Guidelines, 2015. Collection method: clinical testing. Allele origin: germline.
Comment: The TTN c.97237G>A variant is predicted to result in the amino acid substitution p.Asp32413Asn. To our knowledge, this variant has not been reported in the literature or in a large population database (gnomAD), indicating this variant is rare. At this time, the clinical significance of this variant is uncertain due to the absence of conclusive functional and genetic evidence.

Revvity Omics, Revvity
Classification: Uncertain significance. Last evaluated: 2019-06-18. Review status: criteria provided, single submitter. Criteria: ACMG Guidelines, 2015. Collection method: clinical testing. Allele origin: germline.